The following is an entry in ClinVar:

ClinVar aggregate classification (germline): Pathogenic (0 of 4 stars; one submission).

Conditions:
Pyruvate dehydrogenase E1-alpha deficiency (PDHAD). Also called: ATAXIA, INTERMITTENT, WITH PYRUVATE DEHYDROGENASE DEFICIENCY; ATAXIA WITH LACTIC ACIDOSIS I; ATAXIA, INTERMITTENT, WITH ABNORMAL PYRUVATE METABOLISM; Ataxia, intermittent, with pyruvate dehydrogenase, or decarboxylase, deficiency. Identifiers: Orphanet 79243, MedGen C1839413, MONDO:0010717, OMIM 312170.

Submission:

PDHA1 Study Group, University Children’s Hospital, Paracelsus Medical University
Classification: Pathogenic for Pyruvate dehydrogenase E1-alpha deficiency. Last evaluated: 2024-10-15. Review status: no assertion criteria provided. Collection method: research. Allele origin: de novo. Affected: yes. Observed: 1 variant allele.
Comment: The NM_000284.3:c.703A>G (p.Arg235Gly) substitution is a missense variant in PDHA1 gene. Among them, 1 case had confirmed de novo occurrence. The variant has been reported in 1 published case (PMIDs: 21914562). Last literature search: July 12, 2024. This variant is absent or extremely rare in population-based cohorts in the Genome Aggregation Database (gnomAD). Individuals harboring this variant presented with clinical features compatible with PDHA1-related PDHc deficiency. In summary, this variant meets criteria to be classified as pathogenic (P) for PDHA1-related PDHc deficiency based on the ACMG/AMP criteria applied: PS2, PS3, PM1, PM2, PM7, PP3 (last assessment October 15, 2024).

Literature cited by the submitters: PubMed 21914562; DOI 10.1093/brain/awaf430.

NM_000284.4(PDHA1):c.703A>G (p.Arg235Gly)

Gene: PDHA1 (pyruvate dehydrogenase E1 subunit alpha 1; plus strand). Cytogenetic location: Xp22.12.
Variant type: single nucleotide variant.
Coding change: c.703A>G on transcript NM_000284.4 (MANE Select); coding-DNA position 703, A replaced by G.
Protein change: p.Arg235Gly; replaces arginine 235 with glycine.
Molecular consequence: missense variant.
Genome position (GRCh38, 1-based): chrX:19,355,448, A>G. VCF-style: chrX-19355448-A-G. GRCh37 (hg19) VCF-style: chrX-19373566-A-G.
Other names: c.817A>G, p.Arg273Gly (NM_001173454.2); c.724A>G, p.Arg242Gly (NM_001173455.2); c.610A>G, p.Arg204Gly (NM_001173456.2); short protein forms R204G, R235G, R242G, R273G.
Identifiers: ClinVar variation 4070361 (VCV004070361.1).